The following is an entry in ClinVar:

NM_012330.4(KAT6B):c.1282A>C (p.Asn428His)

Gene: KAT6B (lysine acetyltransferase 6B; plus strand). Cytogenetic location: 10q22.2.
Variant type: single nucleotide variant.
Coding change: c.1282A>C on transcript NM_012330.4 (MANE Select); coding-DNA position 1282, A replaced by C.
Protein change: p.Asn428His; replaces asparagine 428 with histidine.
Molecular consequence: missense variant. On other transcripts: intron variant (11).
Genome position (GRCh38, 1-based): chr10:74,975,619, A>C. VCF-style: chr10-74975619-A-C. GRCh37 (hg19) VCF-style: chr10-76735377-A-C.
Other names: c.1282A>C (NM_012330.2); c.1282A>C, p.Asn428His (NM_001256468.2, NM_001370136.1, NM_001370137.1 and 1 more transcripts); c.1117+165A>C (NM_001370139.1, NM_001370140.1, NM_001370141.1 and 3 more transcripts); c.846+5844A>C (NM_001370133.1); c.193-3605A>C (NM_001370134.1); c.929-1697A>C (NM_001370143.1, NM_001370144.1); c.193-13400A>C (NM_001370135.1); short protein forms N428H.
Identifiers: ClinVar variation 444225 (VCV000444225.53), dbSNP rs368259149, ClinGen allele CA5564385.

ClinVar aggregate classification (germline): Conflicting classifications of pathogenicity. Review status: criteria provided, conflicting classifications (1 of 4 stars). 5 submissions from 5 submitters: Uncertain significance (4); Likely benign (1). Last evaluated 2026-06-02.

Conditions:
Inborn genetic diseases. Identifiers: MedGen C0950123, MeSH D030342.
Blepharophimosis - intellectual disability syndrome, SBBYS type (SBBYSS). Also called: Say-Barber-Biesecker variant of Ohdo syndrome (SBBYSS); Ohdo syndrome, SBBYS variant; SBBYSS syndrome; Say-Barber-Biesecker-Young-Simpson syndrome; Say-Barber-Biesecker Variant of Ohdo Syndrome; Young Simpson syndrome. Identifiers: Orphanet 3047, MedGen C1863557, MONDO:0011365, OMIM 603736.
Genitopatellar syndrome (GTPTS). Also called: Genitopatellar syndrome (GPS); ABSENT PATELLAE, SCROTAL HYPOPLASIA, RENAL ANOMALIES, FACIAL DYSMORPHISM, AND MENTAL RETARDATION. Identifiers: Orphanet 85201, MedGen C1853566, MONDO:0011640, OMIM 606170.

Allele frequency attached by ClinVar (database versions not stated): ESP Exome Variant Server 0.00008; TOPMed 0.00008; gnomAD 0.00009 and 0.00010; gnomAD exomes 0.00009 and 0.00017; ExAC 0.00013.
gnomAD v4.1: 258 of 1,614,066 alleles (0.016%); highest among the groups gnomAD compares: Non-Finnish European, 0.021%; no homozygotes.

Submissions (5):

Women's Health and Genetics/Laboratory Corporation of America, LabCorp
Classification: Uncertain significance. Last evaluated: 2026-06-02. Review status: criteria provided, single submitter. Criteria: LabCorp Variant Classification Summary - May 2015. Collection method: clinical testing. Allele origin: germline.
Comment: Variant summary: KAT6B c.1282A>C (p.Asn428His) results in a conservative amino acid change in the encoded protein sequence. Algorithms developed to predict the effect of missense changes on protein structure and function are either unavailable or do not agree on the potential impact of this missense change. The variant allele was found at a frequency of 9.2e-05 in 251322 control chromosomes. This frequency is not significantly higher than estimated for disease-causing variants in KAT6B, allowing no conclusion about variant significance. To our knowledge, no occurrence of c.1282A>C in individuals affected with KAT6B-related conditions and no experimental evidence demonstrating its impact on protein function have been reported. ClinVar contains an entry for this variant (Variation ID: 444225). Based on the evidence outlined above, the variant was classified as uncertain significance.

Labcorp Genetics (formerly Invitae), Labcorp
Classification: Uncertain significance for Genitopatellar syndrome. Last evaluated: 2025-12-30. Review status: criteria provided, single submitter. Criteria: Invitae Variant Classification Sherloc (09022015). Collection method: clinical testing. Allele origin: germline.
Comment: This sequence change replaces asparagine, which is neutral and polar, with histidine, which is basic and polar, at codon 428 of the KAT6B protein (p.Asn428His). This variant is present in population databases (rs368259149, gnomAD 0.02%). This variant has not been reported in the literature in individuals affected with KAT6B-related conditions. ClinVar contains an entry for this variant (Variation ID: 444225). An algorithm developed to predict the effect of missense changes on protein structure and function (PolyPhen-2) suggests that this variant is likely to be disruptive. In summary, the available evidence is currently insufficient to determine the role of this variant in disease. Therefore, it has been classified as a Variant of Uncertain Significance.

Fulgent Genetics
Classification: Uncertain significance for Blepharophimosis - intellectual disability syndrome, SBBYS type; Genitopatellar syndrome. Last evaluated: 2022-04-15. Review status: criteria provided, single submitter. Criteria: ACMG Guidelines, 2015. Collection method: clinical testing. Allele origin: unknown.

Ambry Genetics
Classification: Likely benign for Inborn genetic diseases. Last evaluated: 2021-07-09. Review status: criteria provided, single submitter. Criteria: Ambry Variant Classification Scheme 2023. Collection method: clinical testing. Allele origin: germline.

CeGaT Center for Human Genetics Tuebingen
Classification: Uncertain significance. Last evaluated: 2017-03-01. Review status: criteria provided, single submitter. Criteria: CeGaT Center For Human Genetics Tuebingen Variant Classification Criteria Version 2. Collection method: clinical testing. Allele origin: germline. Affected: yes. Observed: 1 variant allele.